The following is an entry in ClinVar:

ClinVar aggregate classification (germline): Conflicting classifications of pathogenicity. Review status: criteria provided, conflicting classifications (1 of 4 stars). 6 submissions from 4 submitters: Uncertain significance (2); Benign (1); Likely benign (2). 1 of the submissions does not count toward it. Last evaluated 2025-09-09.

Conditions:
Hyperinsulinemic hypoglycemia, familial, 2. Also called: HYPERINSULINEMIC HYPOGLYCEMIA, PERSISTENT; HYPERINSULINISM, NEONATAL. Identifiers: Orphanet 276580, Orphanet 276603, MedGen C2931833, MONDO:0011153, OMIM 601820. Disease mechanism: loss of function.
Permanent neonatal diabetes mellitus (PNDM). Identifiers: Orphanet 99885, MedGen C1833104, MONDO:0100164, MONDO:0011643. Disease mechanism: gain of function.
Maturity-onset diabetes of the young type 13. Also called: MODY, TYPE 13. Identifiers: Orphanet 552, MedGen C4225365, MONDO:0014589, OMIM 616329.
Diabetes mellitus, transient neonatal, 3 (TNDM3). Identifiers: Orphanet 99886, MedGen C1864623, MONDO:0012522, OMIM 610582. Disease mechanism: loss of function.

Allele frequency attached by ClinVar (database versions not stated): gnomAD 0.00001 and 0.00003; ExAC 0.00004; TOPMed 0.00004; gnomAD exomes 0.00006; 1000 Genomes Project 30x 0.00016; 1000 Genomes Project 0.00020.

Submissions (6):

Labcorp Genetics (formerly Invitae), Labcorp
Classification: Likely benign. Last evaluated: 2025-09-09. Review status: criteria provided, single submitter. Criteria: Invitae Variant Classification Sherloc (09022015). Collection method: clinical testing. Allele origin: germline.

Illumina Laboratory Services, Illumina
Classification: Benign for Diabetes mellitus, transient neonatal, 3. Last evaluated: 2017-05-31. Review status: criteria provided, single submitter. Criteria: ICSL Variant Classification Criteria 13 December 2019. Collection method: clinical testing. Allele origin: germline.
Comment: This variant was observed as part of a predisposition screen in an ostensibly healthy population. A literature search was performed for the gene, cDNA change, and amino acid change (where applicable). No publications were found based on this search. Allele frequency data from public databases was too high to be consistent with this variant causing disease. Therefore, this variant is classified as benign.

Illumina Laboratory Services, Illumina
Classification: Uncertain significance for Maturity-onset diabetes of the young type 13. Last evaluated: 2017-04-27. Review status: criteria provided, single submitter. Criteria: ICSL Variant Classification Criteria 13 December 2019. Collection method: clinical testing. Allele origin: germline.

Illumina Laboratory Services, Illumina
Classification: Uncertain significance for Hyperinsulinemic hypoglycemia, familial, 2. Last evaluated: 2017-04-27. Review status: criteria provided, single submitter. Criteria: ICSL Variant Classification Criteria 13 December 2019. Collection method: clinical testing. Allele origin: germline.

Clinical Genomics, Uppaluri K&H Personalized Medicine Clinic
Classification: Likely benign for Maturity-onset diabetes of the young type 13. Review status: criteria provided, single submitter. Criteria: K And H Uppaluri Personalized Medicine Clinic Variant Classification And Assertion Criteria Updated V 2. Collection method: research. Allele origin: unknown. Inheritance: Autosomal dominant inheritance.
Comment: Potent mutations in KCNJ11 gene can cause decreased production and secretion of insulin. This can lead to MODY which may be responsive to oral sulfonylureas. It is also associated with Neonatal Diabetes. However, no sufficient evidence is found to ascertain the role of this particular variant rs202238153 in MODY yet.

Natera, Inc.
Classification: Uncertain significance for Permanent neonatal diabetes mellitus. Last evaluated: 2020-04-13. Review status: no assertion criteria provided. Collection method: clinical testing. Allele origin: germline. Not counted in ClinVar's aggregate classification.

Literature cited by the submitters: PubMed 26448950 (cited by Clinical Genomics, Uppaluri K&H Personalized Medicine Clinic); PubMed 15580558 (cited by Clinical Genomics, Uppaluri K&H Personalized Medicine Clinic); PubMed 15718250 (cited by Clinical Genomics, Uppaluri K&H Personalized Medicine Clinic); PubMed 32935446 (cited by Clinical Genomics, Uppaluri K&H Personalized Medicine Clinic); PubMed 22701567 (cited by Clinical Genomics, Uppaluri K&H Personalized Medicine Clinic).

NM_000525.4(KCNJ11):c.819C>T (p.Ser273=)

Gene: KCNJ11 (potassium inwardly rectifying channel subfamily J member 11; minus strand). Cytogenetic location: 11p15.1.
Variant type: single nucleotide variant.
Coding change: c.819C>T on transcript NM_000525.4 (MANE Select); coding-DNA position 819, C replaced by T.
Protein change: p.Ser273=; no amino-acid change (serine 273 retained).
Molecular consequence: synonymous variant.
Genome position (GRCh38, 1-based): chr11:17,387,273, G>A on the plus strand (C>T on the coding strand, the complement: KCNJ11 is on the minus strand). VCF-style: chr11-17387273-G-A. GRCh37 (hg19) VCF-style: chr11-17408820-G-A.
Other names: c.558C>T, p.Ser186= (NM_001166290.2, NM_001377296.1, NM_001377297.1).
Identifiers: ClinVar variation 792496 (VCV000792496.17), dbSNP rs202238153, ClinGen allele CA5902239.
Genomic context (GRCh38, chr11:17,387,273, plus strand): 5'-GGTTTCCACCACGCCTTCCAGGATGACGATGATCTCGAGGTCCTGGTGGTGGTGCAGGTC[G>A]CTGGGTGCCAGGTCGTAGAGTGGGCTGTTGGCATCAATGACATGGTAGATGATCAGCGGG-3'
Protein context (NP_000516.3, residues 263-283): ANSPLYDLAP[Ser273=]DLHHHQDLEI